The following is an entry in ClinVar:

NM_001008537.3(NEXMIF):c.9C>A (p.Asn3Lys)

Gene: NEXMIF (neurite extension and migration factor; minus strand). Cytogenetic location: Xq13.3.
Variant type: single nucleotide variant.
Coding change: c.9C>A on transcript NM_001008537.3 (MANE Select); coding-DNA position 9, C replaced by A.
Protein change: p.Asn3Lys; replaces asparagine 3 with lysine.
Molecular consequence: missense variant.
Genome position (GRCh38, 1-based): chrX:74,745,642, G>T on the plus strand (C>A on the coding strand, the complement: NEXMIF is on the minus strand). VCF-style: chrX-74745642-G-T. GRCh37 (hg19) VCF-style: chrX-73965477-G-T.
Other names: short protein forms N3K.
Identifiers: ClinVar variation 4887736 (VCV004887736.1).
Genomic context (GRCh38, chrX:74,745,642, plus strand): 5'-GACCCCATTAATCAGAGTGTTTTCTCCGTTGGCTGAGGCAACAATAGCCTTATCTTGTTG[G>T]TTATCCATGAATATAACCTCTTATTGTTTCATTCCAAGTCCAAATGCTGTCCAACCTGCA-3'
Protein context (NP_001008537.1, residues 1-13): MD[Asn3Lys]QQDKAIVASA

ClinVar aggregate classification (germline): Uncertain significance (1 of 4 stars; one submission).

gnomAD v4.1: 1 of 1,173,883 alleles (0.000085%); highest among the groups gnomAD compares: African/African-American, 0.0018%; no homozygotes.

Submission:

Women's Health and Genetics/Laboratory Corporation of America, LabCorp
Classification: Uncertain significance. Last evaluated: 2026-06-23. Review status: criteria provided, single submitter. Criteria: LabCorp Variant Classification Summary - May 2015. Collection method: clinical testing. Allele origin: germline.
Comment: Variant summary: NEXMIF c.9C>A (p.Asn3Lys) results in a non-conservative amino acid change in the encoded protein sequence. Algorithms developed to predict the effect of missense changes on protein structure and function are either unavailable or do not agree on the potential impact of this missense change. The variant allele was found at a frequency of 8.5e-07 in 1173883 control chromosomes. The available data on variant occurrences in the general population are insufficient to allow any conclusion about variant significance. To our knowledge, no occurrence of c.9C>A in individuals affected with NEXMIF-related conditions and no experimental evidence demonstrating its impact on protein function have been reported. No submitters have cited clinical-significance assessments for this variant to ClinVar. Based on the evidence outlined above, the variant was classified as uncertain significance.